The following is an entry in ClinVar:

ClinVar aggregate classification (germline): Uncertain significance. Review status: criteria provided, multiple submitters, no conflicts (2 of 4 stars). 4 submissions from 4 submitters: Uncertain significance (4). Last evaluated 2026-01-12.

Conditions:
Retinitis pigmentosa 71 (RP71). Identifiers: Orphanet 791, MedGen C4225342, MONDO:0014618, OMIM 616394.
Bardet-Biedl syndrome 20. Identifiers: MedGen C4310707, MONDO:0023670, OMIM 619471, MONDO:0014926.
Short-rib thoracic dysplasia 10 with or without polydactyly (SRTD10). Identifiers: Orphanet 474, MedGen C3810175, MONDO:0014284, OMIM 615630.
IFT172-related disorder. Also called: IFT172-related disorders; IFT172-related condition.

Allele frequency attached by ClinVar (database versions not stated): gnomAD 0.00001; TOPMed 0.00001; gnomAD exomes 0.00001; ExAC 0.00001.
gnomAD v4.1: 11 of 1,613,152 alleles (0.00068%); highest among the groups gnomAD compares: South Asian, 0.0022%; no homozygotes.

Submissions (4):

Labcorp Genetics (formerly Invitae), Labcorp
Classification: Uncertain significance for Retinitis pigmentosa 71; Short-rib thoracic dysplasia 10 with or without polydactyly. Last evaluated: 2026-01-12. Review status: criteria provided, single submitter. Criteria: Invitae Variant Classification Sherloc (09022015). Collection method: clinical testing. Allele origin: germline.
Comment: This sequence change replaces arginine, which is basic and polar, with cysteine, which is neutral and slightly polar, at codon 1667 of the IFT172 protein (p.Arg1667Cys). This variant is present in population databases (rs757212554, gnomAD 0.004%). This variant has not been reported in the literature in individuals affected with IFT172-related conditions. ClinVar contains an entry for this variant (Variation ID: 834486). Invitae Evidence Modeling of protein sequence and biophysical properties (such as structural, functional, and spatial information, amino acid conservation, physicochemical variation, residue mobility, and thermodynamic stability) has been performed for this missense variant. However, the output from this modeling did not meet the statistical confidence thresholds required to predict the impact of this variant on IFT172 protein function. In summary, the available evidence is currently insufficient to determine the role of this variant in disease. Therefore, it has been classified as a Variant of Uncertain Significance.

PreventionGenetics, part of Exact Sciences
Classification: Uncertain significance for IFT172-related condition. Last evaluated: 2025-02-07. Review status: criteria provided, single submitter. Criteria: ACMG Guidelines, 2015. Collection method: clinical testing. Allele origin: germline.
Comment: The IFT172 c.4999C>T variant is predicted to result in the amino acid substitution p.Arg1667Cys. To our knowledge, this variant has not been reported in the literature. This variant is reported in 0.0041% of alleles in individuals of African descent in gnomAD. At this time, the clinical significance of this variant is uncertain due to the absence of conclusive functional and genetic evidence.

Fulgent Genetics
Classification: Uncertain significance for Short-rib thoracic dysplasia 10 with or without polydactyly; Retinitis pigmentosa 71; Bardet-Biedl syndrome 20. Last evaluated: 2024-06-12. Review status: criteria provided, single submitter. Criteria: ACMG Guidelines, 2015. Collection method: clinical testing. Allele origin: germline.

Blueprint Genetics
Classification: Uncertain significance. Last evaluated: 2022-08-22. Review status: criteria provided, single submitter. Criteria: ACMG Guidelines, 2015. Collection method: clinical testing. Allele origin: germline.

NM_015662.3(IFT172):c.4999C>T (p.Arg1667Cys)

Genes: IFT172 (intraflagellar transport 172; minus strand), KRTCAP3 (keratinocyte associated protein 3; plus strand). Cytogenetic location: 2p23.3.
Variant type: single nucleotide variant.
Coding change: c.4999C>T on transcript NM_015662.3 (MANE Select); coding-DNA position 4999, C replaced by T.
Protein change: p.Arg1667Cys; replaces arginine 1667 with cysteine.
Molecular consequence: missense variant. On other transcripts: intron variant (1).
Genome position (GRCh38, 1-based): chr2:27,445,365, G>A on the plus strand (C>T on the coding strand, the complement: IFT172 is on the minus strand). VCF-style: chr2-27445365-G-A. GRCh37 (hg19) VCF-style: chr2-27668232-G-A.
Other names: c.4933C>T, p.Arg1645Cys (NM_001410739.1); c.*6-936G>A (NM_001168364.2); short protein forms R1667C, R1645C.
Identifiers: ClinVar variation 834486 (VCV000834486.12), dbSNP rs757212554, ClinGen allele CA1579393.